The following is an entry in ClinVar:

NM_004239.4(TRIP11):c.1066G>A (p.Glu356Lys)

Gene: TRIP11 (thyroid hormone receptor interactor 11; minus strand). Cytogenetic location: 14q32.12.
Variant type: single nucleotide variant.
Coding change: c.1066G>A on transcript NM_004239.4 (MANE Select); coding-DNA position 1066, G replaced by A.
Protein change: p.Glu356Lys; replaces glutamic acid 356 with lysine.
Molecular consequence: missense variant.
Genome position (GRCh38, 1-based): chr14:92,014,335, C>T on the plus strand (G>A on the coding strand, the complement: TRIP11 is on the minus strand). VCF-style: chr14-92014335-C-T. GRCh37 (hg19) VCF-style: chr14-92480679-C-T.
Other names: c.1063G>A, p.Glu355Lys (NM_001321851.1); short protein forms E355K, E356K.
Identifiers: ClinVar variation 1381087 (VCV001381087.6), dbSNP rs2140129618, ClinGen allele CA390663961.

ClinVar aggregate classification (germline): Uncertain significance (1 of 4 stars; one submission).

Conditions:
Achondrogenesis, type IA (ACG1A). Identifiers: Orphanet 932, Orphanet 93299, MedGen C0265273, MONDO:0008701, OMIM 200600.

Submission:

Labcorp Genetics (formerly Invitae), Labcorp
Classification: Uncertain significance for Achondrogenesis, type IA. Last evaluated: 2022-11-15. Review status: criteria provided, single submitter. Criteria: Invitae Variant Classification Sherloc (09022015). Collection method: clinical testing. Allele origin: germline.
Comment: This variant is not present in population databases (gnomAD no frequency). This sequence change replaces glutamic acid with lysine at codon 356 of the TRIP11 protein (p.Glu356Lys). The glutamic acid residue is moderately conserved and there is a small physicochemical difference between glutamic acid and lysine. This variant has not been reported in the literature in individuals affected with TRIP11-related conditions. In summary, the available evidence is currently insufficient to determine the role of this variant in disease. Therefore, it has been classified as a Variant of Uncertain Significance. Advanced modeling of protein sequence and biophysical properties (such as structural, functional, and spatial information, amino acid conservation, physicochemical variation, residue mobility, and thermodynamic stability) performed at Invitae indicates that this missense variant is not expected to disrupt TRIP11 protein function. ClinVar contains an entry for this variant (Variation ID: 1381087).